The following is an entry in ClinVar:

ClinVar aggregate classification (germline): Likely benign. Review status: criteria provided, multiple submitters, no conflicts (2 of 4 stars). 3 submissions from 3 submitters: Likely benign (3). Last evaluated 2026-01-05.

Conditions:
Inborn genetic diseases. Identifiers: MedGen C0950123, MeSH D030342.
Tenorio syndrome (TNORS). Also called: OVERGROWTH, MACROCEPHALY, AND INTELLECTUAL DISABILITY SYNDROME. Identifiers: MedGen C4015710, MONDO:0014553, OMIM 616260.

Allele frequency attached by ClinVar (database versions not stated): ExAC 0.00029; gnomAD exomes 0.00029 and 0.00036; ESP Exome Variant Server 0.00031; TOPMed 0.00032; gnomAD 0.00035 and 0.00037.
gnomAD v4.1: 582 of 1,610,664 alleles (0.036%); highest among the groups gnomAD compares: Non-Finnish European, 0.04%; no homozygotes.

Submissions (3):

Labcorp Genetics (formerly Invitae), Labcorp
Classification: Likely benign for Tenorio syndrome. Last evaluated: 2026-01-05. Review status: criteria provided, single submitter. Criteria: Invitae Variant Classification Sherloc (09022015). Collection method: clinical testing. Allele origin: germline.

CeGaT Center for Human Genetics Tuebingen
Classification: Likely benign. Last evaluated: 2024-11-01. Review status: criteria provided, single submitter. Criteria: CeGaT Center For Human Genetics Tuebingen Variant Classification Criteria Version 2. Collection method: clinical testing. Allele origin: germline. Affected: yes. Observed: 1 variant allele.
Comment: RNF125: BS2

Ambry Genetics
Classification: Likely benign for Inborn genetic diseases. Last evaluated: 2023-03-16. Review status: criteria provided, single submitter. Criteria: Ambry Variant Classification Scheme 2023. Collection method: clinical testing. Allele origin: germline.

NM_017831.4(RNF125):c.493C>T (p.Arg165Trp)

Gene: RNF125 (ring finger protein 125; plus strand). Cytogenetic location: 18q12.1.
Variant type: single nucleotide variant.
Coding change: c.493C>T on transcript NM_017831.4 (MANE Select); coding-DNA position 493, C replaced by T.
Protein change: p.Arg165Trp; replaces arginine 165 with tryptophan.
Molecular consequence: missense variant.
Genome position (GRCh38, 1-based): chr18:32,045,721, C>T. VCF-style: chr18-32045721-C-T. GRCh37 (hg19) VCF-style: chr18-29625684-C-T.
Other names: short protein forms R165W.
Identifiers: ClinVar variation 718169 (VCV000718169.24), dbSNP rs142382122, ClinGen allele CA8930507.